The following is an entry in ClinVar:

ClinVar aggregate classification (germline): Uncertain significance (1 of 4 stars; one submission).

Submission:

Dasa
Classification: Uncertain significance. Last evaluated: 2024-10-11. Review status: criteria provided, single submitter. Criteria: DASA Assertion Criteria. Collection method: clinical testing. Allele origin: germline.
Comment: NM_004977.3(KCNC3):c.35G>A (p.Gly12Glu) is a missense variant that results in the substitution of glycine with glutamic acid. This variant is rare in population databases. Computational prediction algorithms are consistent with a benign effect. The currently available literature and clinical evidence are not sufficient to establish a definitive association between this variant and the reported condition. Therefore, this variant is classified as a variant of uncertain significance.

NM_004977.3(KCNC3):c.35G>A (p.Gly12Glu)

Genes: KCNC3 (potassium voltage-gated channel subfamily C member 3; minus strand), LOC111811967 (Sharpr-MPRA regulatory region 11330/13384; plus strand). Cytogenetic location: 19q13.33.
Variant type: single nucleotide variant.
Coding change: c.35G>A on transcript NM_004977.3 (MANE Select); coding-DNA position 35, G replaced by A.
Protein change: p.Gly12Glu; replaces glycine 12 with glutamic acid.
Molecular consequence: missense variant. On other transcripts: 5 prime UTR variant (1).
Genome position (GRCh38, 1-based): chr19:50,329,048, C>T on the plus strand (G>A on the coding strand, the complement: KCNC3 is on the minus strand). VCF-style: chr19-50329048-C-T. GRCh37 (hg19) VCF-style: chr19-50832305-C-T.
Other names: c.-194G>A (NM_001372305.1); short protein forms G12E.
Identifiers: ClinVar variation 4886144 (VCV004886144.2).
Genomic context (GRCh38, chr19:50,329,048, plus strand): 5'-GGCGGGGACTCGGGCGGCTGCGGCGGTGGCGCCGGCTGCTGCTTGCTGGCCCCCTGGCGC[C>T]CGCGGAAGGACGAGACGCAGACTGAGCTCAGCATTGGACGGGGGGCGGGGCGGGAGGGGC-3'
Protein context (NP_004968.2, residues 2-22): LSSVCVSSFR[Gly12Glu]RQGASKQQPA